The following is an entry in ClinVar:

ClinVar aggregate classification (germline): Conflicting classifications of pathogenicity. Review status: criteria provided, conflicting classifications (1 of 4 stars). 2 submissions from 2 submitters: Uncertain significance (1); Likely benign (1). Last evaluated 2022-08-08.

Allele frequency attached by ClinVar (database versions not stated): ExAC 0.00001; gnomAD 0.00001; gnomAD exomes 0.00001.
gnomAD v4.1: 12 of 1,613,482 alleles (0.00074%); highest among the groups gnomAD compares: Admixed American, 0.005%; no homozygotes.

Submissions (2):

Labcorp Genetics (formerly Invitae), Labcorp
Classification: Uncertain significance. Last evaluated: 2022-08-08. Review status: criteria provided, single submitter. Criteria: Invitae Variant Classification Sherloc (09022015). Collection method: clinical testing. Allele origin: germline.
Comment: This sequence change affects codon 317 of the ABHD12 mRNA. It is a 'silent' change, meaning that it does not change the encoded amino acid sequence of the ABHD12 protein. It affects a nucleotide within the consensus splice site. This variant is present in population databases (rs774893105, gnomAD 0.006%). This variant has not been reported in the literature in individuals affected with ABHD12-related conditions. ClinVar contains an entry for this variant (Variation ID: 1378107). Algorithms developed to predict the effect of sequence changes on RNA splicing suggest that this variant is not likely to affect RNA splicing. In summary, the available evidence is currently insufficient to determine the role of this variant in disease. Therefore, it has been classified as a Variant of Uncertain Significance.

Blueprint Genetics
Classification: Likely benign. Last evaluated: 2022-05-11. Review status: criteria provided, single submitter. Criteria: ACMG Guidelines, 2015. Collection method: clinical testing. Allele origin: germline.

NM_001042472.3(ABHD12):c.951C>T (p.Asn317=)

Gene: ABHD12 (abhydrolase domain containing 12, lysophospholipase; minus strand). Cytogenetic location: 20p11.21.
Variant type: single nucleotide variant.
Coding change: c.951C>T on transcript NM_001042472.3 (MANE Select); coding-DNA position 951, C replaced by T.
Protein change: p.Asn317=; no amino-acid change (asparagine 317 retained).
Molecular consequence: synonymous variant.
Genome position (GRCh38, 1-based): chr20:25,303,628, G>A on the plus strand (C>T on the coding strand, the complement: ABHD12 is on the minus strand). VCF-style: chr20-25303628-G-A. GRCh37 (hg19) VCF-style: chr20-25284264-G-A.
Other names: c.951C>T, p.Asn317= (NM_015600.5).
Identifiers: ClinVar variation 1378107 (VCV001378107.4), dbSNP rs774893105, ClinGen allele CA9795921.
Genomic context (GRCh38, chr20:25,303,628, plus strand): 5'-GGGCACCACCGGGTCGTCCTCAGCGTGCAGGATGAGCAGGGGACAGGAGATGTGCTTCAC[G>A]CTGTAGGAGGGAGAAGGGGCTAGACCAAGACCAGGGAAAGGGCAGAGTTGCCCAGACCCT-3'
Protein context (NP_001035937.1, residues 307-327): SSGIKFANDE[Asn317=]VKHISCPLLI